The following is an entry in ClinVar:

NM_000642.3(AGL):c.4472A>G (p.His1491Arg)

Gene: AGL (amylo-alpha-1,6-glucosidase and 4-alpha-glucanotransferase; plus strand). Cytogenetic location: 1p21.2.
Variant type: single nucleotide variant.
Coding change: c.4472A>G on transcript NM_000642.3 (MANE Select); coding-DNA position 4472, A replaced by G.
Protein change: p.His1491Arg; replaces histidine 1491 with arginine.
Molecular consequence: missense variant.
Genome position (GRCh38, 1-based): chr1:99,916,722, A>G. VCF-style: chr1-99916722-A-G. GRCh37 (hg19) VCF-style: chr1-100382278-A-G.
Other names: c.4472A>G, p.His1491Arg (NM_000028.3, NM_000643.3, NM_000644.3 and 1 more transcripts); c.4424A>G, p.His1475Arg (NM_000646.3); c.4451A>G, p.His1484Arg (NM_001425326.1); c.4271A>G, p.His1424Arg (NM_001425327.1); c.4268A>G, p.His1423Arg (NM_001425328.1); c.4133A>G, p.His1378Arg (NM_001425329.1); c.4094A>G, p.His1365Arg (NM_001425332.1); short protein forms H1491R, H1475R, H1365R, H1378R, H1423R, H1424R, H1484R.
Identifiers: ClinVar variation 1428411 (VCV001428411.4), dbSNP rs760188084, ClinGen allele CA967447.

ClinVar aggregate classification (germline): Uncertain significance. Review status: criteria provided, multiple submitters, no conflicts (2 of 4 stars). 2 submissions from 2 submitters: Uncertain significance (2). Last evaluated 2021-10-27.

Conditions:
Glycogen storage disease type III (GSD3). Also called: Cori disease; FORBES DISEASE. Identifiers: Orphanet 366, MedGen C0017922, MONDO:0009291, OMIM 232400.

Allele frequency attached by ClinVar (database versions not stated): gnomAD exomes 0.00001 and 0.00002; ExAC 0.00002; gnomAD 0.00002 and 0.00003; TOPMed 0.00002.
gnomAD v4.1: 24 of 1,613,148 alleles (0.0015%); highest among the groups gnomAD compares: Non-Finnish European, 0.002%; no homozygotes.

Submissions (2):

Labcorp Genetics (formerly Invitae), Labcorp
Classification: Uncertain significance for Glycogen storage disease type III. Last evaluated: 2021-10-27. Review status: criteria provided, single submitter. Criteria: Invitae Variant Classification Sherloc (09022015). Collection method: clinical testing. Allele origin: germline.
Comment: This sequence change replaces histidine, a(n) basic and polar amino acid, with arginine, a(n) basic and polar amino acid, at codon 1491 of the AGL protein (p.His1491Arg). This variant is present in population databases (rs760188084, gnomAD 0.004%). This variant has not been reported in the literature in individuals affected with AGL-related conditions. Algorithms developed to predict the effect of missense changes on protein structure and function are either unavailable or do not agree on the potential impact of this missense change (SIFT: "Tolerated"; PolyPhen-2: "Possibly Damaging"; Align-GVGD: "Class C0"). In summary, the available evidence is currently insufficient to determine the role of this variant in disease. Therefore, it has been classified as a Variant of Uncertain Significance.

Blueprint Genetics
Classification: Uncertain significance. Last evaluated: 2018-11-27. Review status: criteria provided, single submitter. Criteria: ACMG Guidelines, 2015. Collection method: clinical testing. Allele origin: germline.